The following is an entry in ClinVar:

NM_001330260.2(SCN8A):c.1819G>A (p.Ala607Thr)

Gene: SCN8A (sodium voltage-gated channel alpha subunit 8; plus strand). Cytogenetic location: 12q13.13.
Variant type: single nucleotide variant.
Coding change: c.1819G>A on transcript NM_001330260.2 (MANE Select); coding-DNA position 1819, G replaced by A.
Protein change: p.Ala607Thr; replaces alanine 607 with threonine.
Molecular consequence: missense variant.
Genome position (GRCh38, 1-based): chr12:51,721,729, G>A. VCF-style: chr12-51721729-G-A. GRCh37 (hg19) VCF-style: chr12-52115513-G-A.
Other names: p.A607T:GCC>ACC; c.1819G>A, p.Ala607Thr (NM_001177984.3, NM_001369788.1, NM_014191.4); short protein forms A607T.
Identifiers: ClinVar variation 194088 (VCV000194088.53), dbSNP rs367949317, ClinGen allele CA239893.

ClinVar aggregate classification (germline): Conflicting classifications of pathogenicity. Review status: criteria provided, conflicting classifications (1 of 4 stars). 10 submissions from 10 submitters: Uncertain significance (1); Benign (2); Likely benign (4). 3 of the submissions do not count toward it. Last evaluated 2026-06-10.

Conditions:
Early-infantile DEE. Also called: Ohtahara syndrome; Early infantile epileptic encephalopathy with suppression bursts; Early infantile epileptic encephalopathy. Identifiers: Orphanet 1934, MedGen C0393706, MONDO:0800491.
SCN8A-related disorder.
Inborn genetic diseases. Identifiers: MedGen C0950123, MeSH D030342.

Allele frequency attached by ClinVar (database versions not stated): gnomAD exomes 0.00005 and 0.00013; ESP Exome Variant Server 0.00016; ExAC 0.00024; 1000 Genomes Project 0.00040; TOPMed 0.00054; gnomAD 0.00057 and 0.00061; 1000 Genomes Project 30x 0.00094.
gnomAD v4.1: 168 of 1,596,556 alleles (0.011%); highest among the groups gnomAD compares: African/African-American, 0.18%; 1 homozygote.

Submissions (10):

Women's Health and Genetics/Laboratory Corporation of America, LabCorp
Classification: Likely benign. Last evaluated: 2026-06-10. Review status: criteria provided, single submitter. Criteria: LabCorp Variant Classification Summary - May 2015. Collection method: clinical testing. Allele origin: germline.
Comment: Variant summary: SCN8A c.1819G>A (p.Ala607Thr) results in a non-conservative amino acid change in the encoded protein sequence. Algorithms developed to predict the effect of missense changes on protein structure and function are either unavailable or do not agree on the potential impact of this missense change. The variant allele was found at a frequency of 0.00013 in 210124 control chromosomes, predominantly at a frequency of 0.0019 within the African or African-American subpopulation in the gnomAD database. The observed variant frequency within African or African-American control individuals in the gnomAD database exceeds the estimated maximal expected allele frequency for disease-causing variants in SCN8A. c.1819G>A has been observed in individual from an epilepsy cohort (Al Anazi_2022), without strong evidence for or against pathogenicity. This report does not provide unequivocal conclusions about association of the variant with disease. To our knowledge, no experimental evidence demonstrating an impact on protein function has been reported. The following publications has been ascertained in the context of this evaluation (PMID: 36539902). ClinVar contains an entry for this variant (Variation ID: 194088). Based on the evidence outlined above, the variant was classified as likely benign.

CeGaT Center for Human Genetics Tuebingen
Classification: Likely benign. Last evaluated: 2026-02-01. Review status: criteria provided, single submitter. Criteria: CeGaT Center For Human Genetics Tuebingen Variant Classification Criteria Version 2. Collection method: clinical testing. Allele origin: germline. Affected: yes. Observed: 3 variant alleles.
Comment: SCN8A: BS1

Labcorp Genetics (formerly Invitae), Labcorp
Classification: Likely benign for Early-infantile DEE. Last evaluated: 2025-12-01. Review status: criteria provided, single submitter. Criteria: Invitae Variant Classification Sherloc (09022015). Collection method: clinical testing. Allele origin: germline.

Blueprint Genetics
Classification: Likely benign. Last evaluated: 2024-11-14. Review status: criteria provided, single submitter. Criteria: ACMG Guidelines, 2015. Collection method: clinical testing. Allele origin: germline.

GeneDx
Classification: Benign. Last evaluated: 2019-08-30. Review status: criteria provided, single submitter. Criteria: GeneDx Variant Classification Process June 2021. Collection method: clinical testing. Allele origin: germline. Affected: yes.

Ambry Genetics
Classification: Benign for Inborn genetic diseases. Last evaluated: 2018-11-27. Review status: criteria provided, single submitter. Criteria: Ambry Variant Classification Scheme 2023. Collection method: clinical testing. Allele origin: germline.

Eurofins Ntd Llc (ga)
Classification: Uncertain significance. Last evaluated: 2018-06-08. Review status: criteria provided, single submitter. Criteria: EGL ClinVar v180209 classification definitions. Collection method: clinical testing. Allele origin: germline. Observed: 2 variant alleles, 2 heterozygotes.

PreventionGenetics, part of Exact Sciences
Classification: Likely benign for SCN8A-related condition. Last evaluated: 2021-01-18. Review status: no assertion criteria provided. Collection method: clinical testing. Allele origin: germline. Not counted in ClinVar's aggregate classification.
Comment: This variant is classified as likely benign based on ACMG/AMP sequence variant interpretation guidelines (Richards et al. 2015 PMID: 25741868, with internal and published modifications).

Clinical Genetics DNA and cytogenetics Diagnostics Lab, Erasmus MC, Erasmus Medical Center
Classification: Likely benign. Review status: no assertion criteria provided. Collection method: clinical testing. Allele origin: germline. Affected: yes. Study: VKGL Data-share Consensus. Not counted in ClinVar's aggregate classification.

Joint Genome Diagnostic Labs from Nijmegen and Maastricht, Radboudumc and MUMC+
Classification: Likely benign. Review status: no assertion criteria provided. Collection method: clinical testing. Allele origin: germline. Affected: yes. Study: VKGL Data-share Consensus. Not counted in ClinVar's aggregate classification.

Literature cited by the submitters: PubMed 36539902 (cited by Women's Health and Genetics/Laboratory Corporation of America, LabCorp); PubMed 32845893 (cited by Women's Health and Genetics/Laboratory Corporation of America, LabCorp).